The following is an entry in ClinVar:

NM_145725.3(TRAF3):c.1451C>T (p.Ala484Val)

Gene: TRAF3 (TNF receptor associated factor 3; plus strand). Cytogenetic location: 14q32.32.
Variant type: single nucleotide variant.
Coding change: c.1451C>T on transcript NM_145725.3 (MANE Select); coding-DNA position 1451, C replaced by T.
Protein change: p.Ala484Val; replaces alanine 484 with valine.
Molecular consequence: missense variant.
Genome position (GRCh38, 1-based): chr14:102,905,528, C>T. VCF-style: chr14-102905528-C-T. GRCh37 (hg19) VCF-style: chr14-103371865-C-T.
Other names: c.1202C>T, p.Ala401Val (NM_001199427.2); c.1310C>T, p.Ala437Val (NM_001385142.1); c.1370C>T, p.Ala457Val (NM_001385143.1); c.1451C>T, p.Ala484Val (NM_003300.4); c.1376C>T, p.Ala459Val (NM_145726.3); short protein forms A459V, A484V, A401V, A457V, A437V.
Identifiers: ClinVar variation 3649042 (VCV003649042.2).
Genomic context (GRCh38, chr14:102,905,528, plus strand): 5'-GGATGGGGAAGGGGACGCACTTGTCGCTGTTTTTTGTCATCATGCGTGGAGAATATGATG[C>T]CCTGCTTCCTTGGCCGTTTAAGCAGAAAGTGACACTCATGCTGATGGATCAGGGGTCCTC-3'
Protein context (NP_663777.1, residues 474-494): FFVIMRGEYD[Ala484Val]LLPWPFKQKV

ClinVar aggregate classification (germline): Uncertain significance (1 of 4 stars; one submission).

Conditions:
Immunodeficiency 132A. Also called: Herpes simplex encephalitis, susceptibility to, 3. Identifiers: Orphanet 1930, MedGen C3553868, MONDO:0013920, OMIM 614849.

Submission:

Labcorp Genetics (formerly Invitae), Labcorp
Classification: Uncertain significance for Immunodeficiency 132A. Last evaluated: 2024-04-06. Review status: criteria provided, single submitter. Criteria: Invitae Variant Classification Sherloc (09022015). Collection method: clinical testing. Allele origin: germline.
Comment: This sequence change replaces alanine, which is neutral and non-polar, with valine, which is neutral and non-polar, at codon 484 of the TRAF3 protein (p.Ala484Val). This variant is present in population databases (no rsID available, gnomAD 0.01%). This variant has not been reported in the literature in individuals affected with TRAF3-related conditions. An algorithm developed to predict the effect of missense changes on protein structure and function (PolyPhen-2) suggests that this variant is likely to be disruptive. In summary, the available evidence is currently insufficient to determine the role of this variant in disease. Therefore, it has been classified as a Variant of Uncertain Significance.